The following is an entry in ClinVar:

ClinVar aggregate classification (germline): Likely pathogenic. Review status: criteria provided, multiple submitters, no conflicts (2 of 4 stars). 2 submissions from 2 submitters: Likely pathogenic (2). Last evaluated 2026-09-02.

Conditions:
PKD1-related disorder. Also called: PKD1-related condition.
Polycystic kidney disease, adult type (PKD1). Also called: POLYCYSTIC KIDNEY DISEASE, ADULT, TYPE I; Polycystic Kidney Disease 1, Autosomal Dominant; Polycystic kidney disease 1; Polycystic kidney disease 1, severe; Polycystic Kidney, Autosomal Dominant; POLYCYSTIC KIDNEY DISEASE 1 WITH OR WITHOUT POLYCYSTIC LIVER DISEASE. Identifiers: MedGen C3149841, MONDO:0008263, OMIM 173900.

Submissions (2):

PreventionGenetics, part of Exact Sciences
Classification: Likely pathogenic for PKD1-related condition. Last evaluated: 2026-09-02. Review status: criteria provided, single submitter. Criteria: ACMG Guidelines, 2015. Collection method: clinical testing. Allele origin: germline.
Comment: The PKD1 c.9411C>G variant is predicted to result in the amino acid substitution p.His3137Gln. This variant was reported in an individual with autosomal dominant polycystic kidney disease (ADPKD) (Supplemental Table 2, Heyer et al. 2016. PubMed ID: 26823553). In addition, this variant has been found in two unrelated individuals with cystic kidney disease at PreventionGenetics (internal data). Of note, different substitutions at the same codon have been reported in individuals with ADPKD (c.9409C>T, p.His3137Tyr in Xu et al. 2018. PubMed ID: 29529603 and Table S1 of Yan et al. 2022. PubMed ID: 36186434; c.9410A>C, p.His3137Pro in Table S5 of Carrera et al. 2016. PubMed ID: 27499327). The c.9411C>G (p.His3137Gln) variant has not been reported in a large population database (gnomAD), indicating this variant is rare. This variant is interpreted as likely pathogenic.

Institute of Immunology and Genetics Kaiserslautern
Classification: Likely pathogenic for Polycystic kidney disease, adult type. Last evaluated: 2024-03-05. Review status: criteria provided, single submitter. Criteria: ACMG Guidelines, 2015. Collection method: clinical testing. Allele origin: germline. Affected: yes.
Comment: ACMG Criteria: PM2, PM5, PP1, PP4; Variant was found in heterozygous state

NM_001009944.3(PKD1):c.9411C>G (p.His3137Gln)

Gene: PKD1 (polycystin 1, transient receptor potential channel interacting; minus strand). Cytogenetic location: 16p13.3.
Variant type: single nucleotide variant.
Coding change: c.9411C>G on transcript NM_001009944.3 (MANE Select); coding-DNA position 9411, C replaced by G.
Protein change: p.His3137Gln; replaces histidine 3137 with glutamine.
Molecular consequence: missense variant.
Genome position (GRCh38, 1-based): chr16:2,100,553, G>C on the plus strand (C>G on the coding strand, the complement: PKD1 is on the minus strand). VCF-style: chr16-2100553-G-C. GRCh37 (hg19) VCF-style: chr16-2150554-G-C.
Other names: c.9411C>G, p.His3137Gln (NM_000296.4); short protein forms H3137Q.
Identifiers: ClinVar variation 3063587 (VCV003063587.2), dbSNP rs750132441, ClinGen allele CA394356656.
Genomic context (GRCh38, chr16:2,100,553, plus strand): 5'-GTCGCCGTCCAGGTGCCGGTGGCCGCTCCGGCTGTCCACCCCATACAGCATGATGCCCAC[G>C]TGGGCCGTGGTACCTGGGAGGCAAGAGGGAGGGGTGGGAGGCTCGGTCTGCTGCCCAACA-3'
Protein context (NP_001009944.3, residues 3127-3147): GWGRGSGTTA[His3137Gln]VGIMLYGVDS